The following is an entry in ClinVar:

NM_000138.5(FBN1):c.4186A>G (p.Thr1396Ala)

Gene: FBN1 (fibrillin 1; minus strand). Cytogenetic location: 15q21.1.
Variant type: single nucleotide variant.
Coding change: c.4186A>G on transcript NM_000138.5 (MANE Select); coding-DNA position 4186, A replaced by G.
Protein change: p.Thr1396Ala; replaces threonine 1396 with alanine.
Molecular consequence: missense variant.
Genome position (GRCh38, 1-based): chr15:48,474,279, T>C on the plus strand (A>G on the coding strand, the complement: FBN1 is on the minus strand). VCF-style: chr15-48474279-T-C. GRCh37 (hg19) VCF-style: chr15-48766476-T-C.
Other names: short protein forms T1396A.
Identifiers: ClinVar variation 924866 (VCV000924866.5), dbSNP rs2043401583, ClinGen allele CA392320017.

ClinVar aggregate classification (germline): Uncertain significance (1 of 4 stars; one submission).

Conditions:
Familial thoracic aortic aneurysm and aortic dissection (TAAD). Also called: Thoracic aortic aneurysms and dissections. Identifiers: Orphanet 91387, MedGen C4707243, MONDO:0019625.

Allele frequency attached by ClinVar (database versions not stated): gnomAD exomes 0.00001.
gnomAD v4.1: 5 of 1,614,134 alleles (0.00031%); highest among the groups gnomAD compares: Non-Finnish European, 0.00042%; no homozygotes.

Submission:

Color Diagnostics, LLC DBA Color Health
Classification: Uncertain significance for Familial thoracic aortic aneurysm and aortic dissection. Last evaluated: 2024-03-06. Review status: criteria provided, single submitter. Criteria: ACMG Guidelines, 2015. Collection method: clinical testing. Allele origin: germline.
Comment: This missense variant replaces threonine with alanine at codon 1396 of the FBN1 protein. Computational prediction suggests that this variant may not impact protein structure and function (internally defined REVEL score threshold <= 0.5, PMID: 27666373). To our knowledge, functional studies have not been reported for this variant. This variant has not been reported in individuals affected with cardiovascular disorders in the literature. This variant has not been identified in the general population by the Genome Aggregation Database (gnomAD). The available evidence is insufficient to determine the role of this variant in disease conclusively. Therefore, this variant is classified as a Variant of Uncertain Significance.